The following is an entry in ClinVar:

NM_001142800.2(EYS):c.7973C>T (p.Pro2658Leu)

Gene: EYS (EGF-like photoreceptor maintenance factor; minus strand). Cytogenetic location: 6q12.
Variant type: single nucleotide variant.
Coding change: c.7973C>T on transcript NM_001142800.2 (MANE Select); coding-DNA position 7973, C replaced by T.
Protein change: p.Pro2658Leu; replaces proline 2658 with leucine.
Molecular consequence: missense variant.
Genome position (GRCh38, 1-based): chr6:63,762,559, G>A on the plus strand (C>T on the coding strand, the complement: EYS is on the minus strand). VCF-style: chr6-63762559-G-A. GRCh37 (hg19) VCF-style: chr6-64472452-G-A.
Other names: c.7973C>T, p.Pro2658Leu (NM_001292009.2); c.7973C>T (NM_001142800.1); short protein forms P2658L.
Identifiers: ClinVar variation 2058284 (VCV002058284.6), dbSNP rs938098897, ClinGen allele CA140241322.
Genomic context (GRCh38, chr6:63,762,559, plus strand): 5'-AAACAGGTGTATCCATGAGGTAATGAAATGCAGGTTGCTCCTCTGCTACAGTGGTGTGGA[G>A]GGTCATGTTCAGGATCACAGGTAGAAACTGTCTCTGTGCAGAATGATCCTTTCCACCCAG-3'
Protein context (NP_001136272.1, residues 2648-2668): TVSTCDPEHD[Pro2658Leu]PHHCSRGATC

ClinVar aggregate classification (germline): Uncertain significance. Review status: criteria provided, multiple submitters, no conflicts (2 of 4 stars). 4 submissions from 4 submitters: Uncertain significance (4). Last evaluated 2026-07-27.

Conditions:
EYS-related disorder. Also called: EYS-related condition.
Inborn genetic diseases. Identifiers: MedGen C0950123, MeSH D030342.

Allele frequency attached by ClinVar (database versions not stated): TOPMed 0.00002; gnomAD 0.00003; gnomAD exomes 0.00005.
gnomAD v4.1: 74 of 1,550,396 alleles (0.0048%); highest among the groups gnomAD compares: Non-Finnish European, 0.0059%; no homozygotes.

Submissions (4):

PreventionGenetics, part of Exact Sciences
Classification: Uncertain significance for EYS-related condition. Last evaluated: 2026-07-27. Review status: criteria provided, single submitter. Criteria: ACMG Guidelines, 2015. Collection method: clinical testing. Allele origin: germline.
Comment: The EYS c.7973C>T variant is predicted to result in the amino acid substitution p.Pro2658Leu. To our knowledge, this variant has not been reported in the literature. This variant is reported in 0.0078% of alleles in individuals of Latino descent in gnomAD. At this time, the clinical significance of this variant is uncertain due to the absence of conclusive functional and genetic evidence.

Ambry Genetics
Classification: Uncertain significance for Inborn genetic diseases. Last evaluated: 2025-10-06. Review status: criteria provided, single submitter. Criteria: Ambry Variant Classification Scheme 2023. Collection method: clinical testing. Allele origin: germline.

Blueprint Genetics
Classification: Uncertain significance. Last evaluated: 2024-08-02. Review status: criteria provided, single submitter. Criteria: ACMG Guidelines, 2015. Collection method: clinical testing. Allele origin: germline.

Labcorp Genetics (formerly Invitae), Labcorp
Classification: Uncertain significance. Last evaluated: 2022-08-21. Review status: criteria provided, single submitter. Criteria: Invitae Variant Classification Sherloc (09022015). Collection method: clinical testing. Allele origin: germline.
Comment: This sequence change replaces proline, which is neutral and non-polar, with leucine, which is neutral and non-polar, at codon 2658 of the EYS protein (p.Pro2658Leu). This variant is present in population databases (no rsID available, gnomAD 0.008%). This variant has not been reported in the literature in individuals affected with EYS-related conditions. Algorithms developed to predict the effect of missense changes on protein structure and function are either unavailable or do not agree on the potential impact of this missense change (SIFT: "Deleterious"; PolyPhen-2: "Probably Damaging"; Align-GVGD: "Class C0"). In summary, the available evidence is currently insufficient to determine the role of this variant in disease. Therefore, it has been classified as a Variant of Uncertain Significance.